The following is an entry in ClinVar:

ClinVar aggregate classification (germline): Uncertain significance (1 of 4 stars; one submission).

Conditions:
Lissencephaly due to TUBA1A mutation (CDCBM16). Also called: CORTICAL DYSPLASIA, COMPLEX, WITH OTHER BRAIN MALFORMATIONS 16; Lissencephaly 3. Identifiers: Orphanet 171680, MedGen C4305153, MONDO:0012703, OMIM 611603.

Submission:

Juno Genomics, Hangzhou Juno Genomics, Inc
Classification: Uncertain significance for Lissencephaly due to TUBA1A mutation. Review status: criteria provided, single submitter. Criteria: ACMG Guidelines, 2015. Collection method: clinical testing. Allele origin: germline.
Comment: Absent from controls (or at extremely low frequency if recessive) in Genome Aggregation Database.;Missense variant in a gene that has a low rate of benign missense variation.;De novo (both maternity and paternity confirmed) in a patient with the disease and no family history.

NM_006009.4(TUBA1A):c.314G>A (p.Arg105Gln)

Gene: TUBA1A (tubulin alpha 1a; minus strand). Cytogenetic location: 12q13.12.
Variant type: single nucleotide variant.
Coding change: c.314G>A on transcript NM_006009.4 (MANE Select); coding-DNA position 314, G replaced by A.
Protein change: p.Arg105Gln; replaces arginine 105 with glutamine.
Molecular consequence: missense variant.
Genome position (GRCh38, 1-based): chr12:49,186,371, C>T on the plus strand (G>A on the coding strand, the complement: TUBA1A is on the minus strand). VCF-style: chr12-49186371-C-T. GRCh37 (hg19) VCF-style: chr12-49580154-C-T.
Other names: c.314G>A, p.Arg105Gln (NM_001270399.2); c.209G>A, p.Arg70Gln (NM_001270400.2); short protein forms R105Q, R70Q.
Identifiers: ClinVar variation 5005121 (VCV005005121.2).